The following is an entry in ClinVar:

ClinVar aggregate classification (germline): Uncertain significance (1 of 4 stars; one submission).

Allele frequency attached by ClinVar (database versions not stated): gnomAD 0.00001; TOPMed 0.00001.
gnomAD v4.1: 9 of 1,613,948 alleles (0.00056%); highest among the groups gnomAD compares: African/African-American, 0.0013%; no homozygotes.

Submission:

Labcorp Genetics (formerly Invitae), Labcorp
Classification: Uncertain significance. Last evaluated: 2021-11-01. Review status: criteria provided, single submitter. Criteria: Invitae Variant Classification Sherloc (09022015). Collection method: clinical testing. Allele origin: germline.
Comment: In summary, the available evidence is currently insufficient to determine the role of this variant in disease. Therefore, it has been classified as a Variant of Uncertain Significance. Advanced modeling of protein sequence and biophysical properties (such as structural, functional, and spatial information, amino acid conservation, physicochemical variation, residue mobility, and thermodynamic stability) performed at Invitae indicates that this missense variant is not expected to disrupt FAT4 protein function. This variant has not been reported in the literature in individuals affected with FAT4-related conditions. This variant is present in population databases (no rsID available, gnomAD 0.01%). This sequence change replaces histidine, which is basic and polar, with glutamine, which is neutral and polar, at codon 4433 of the FAT4 protein (p.His4433Gln).

NM_001291303.3(FAT4):c.13305C>A (p.His4435Gln)

Gene: FAT4 (FAT atypical cadherin 4; plus strand). Cytogenetic location: 4q28.1.
Variant type: single nucleotide variant.
Coding change: c.13305C>A on transcript NM_001291303.3 (MANE Select); coding-DNA position 13305, C replaced by A.
Protein change: p.His4435Gln; replaces histidine 4435 with glutamine.
Molecular consequence: missense variant.
Genome position (GRCh38, 1-based): chr4:125,490,121, C>A. VCF-style: chr4-125490121-C-A. GRCh37 (hg19) VCF-style: chr4-126411276-C-A.
Other names: c.13302C>A, p.His4434Gln (NM_001291285.3); c.13299C>A, p.His4433Gln (NM_024582.6); short protein forms H4433Q, H4434Q, H4435Q.
Identifiers: ClinVar variation 1496019 (VCV001496019.6), dbSNP rs1357034003, ClinGen allele CA358136112.
Genomic context (GRCh38, chr4:125,490,121, plus strand): 5'-GCTGTGCATTAATCAGTGGTATGCCTACAGGTGTGTCCCTCCTGGGGACTGTGCCTCCCA[C>A]CCGTGCCAGAATGGTGGCAGCTGTGAGCCAGGCCTGCACTCCGGCTTCACCTGTAGCTGC-3'
Protein context (NP_001278232.1, residues 4425-4445): RCVPPGDCAS[His4435Gln]PCQNGGSCEP